The following is an entry in ClinVar:

ClinVar aggregate classification (germline): Likely pathogenic (1 of 4 stars; one submission).

Conditions:
Kleefstra syndrome 1 (KLEFS1). Identifiers: Orphanet 261494, MedGen C0795833, MONDO:0027407, OMIM 610253.

Submission:

MGZ Medical Genetics Center
Classification: Likely pathogenic for Kleefstra syndrome 1. Last evaluated: 2022-01-19. Review status: criteria provided, single submitter. Criteria: ACMG Guidelines, 2015. Collection method: clinical testing. Allele origin: germline. Affected: yes. Observed: 1 variant allele.
Comment: ACMG criteria applied: PVS1, PM2_SUP

NM_024757.5(EHMT1):c.1180del (p.Glu394fs)

Gene: EHMT1 (euchromatic histone lysine methyltransferase 1; plus strand). Cytogenetic location: 9q34.3.
Variant type: Deletion.
Coding change: c.1180del on transcript NM_024757.5 (MANE Select); coding-DNA position 1180, one base deleted (G; older notation c.1180delG).
Protein change: p.Glu394fs; shifts the reading frame from glutamic acid 394.
Molecular consequence: frameshift variant.
Genome position (GRCh38, 1-based): chr9:137,752,340, G deleted; the last of 4 consecutive G bases (chr9:137,752,337-137,752,340); deleting any one gives the same sequence. VCF-style (leftmost placement, unchanged base first): chr9-137752336-CG-C. GRCh37 (hg19) VCF-style: chr9-140646788-CG-C.
Other names: c.1180del, p.Glu394fs (NM_001145527.2, NM_001354611.2); c.1087del, p.Glu363fs (NM_001354259.2, NM_001354612.2); c.1159del, p.Glu387fs (NM_001354263.2); short protein forms E363fs, E387fs, E394fs.
Identifiers: ClinVar variation 1709070 (VCV001709070.2), dbSNP rs2541781408, ClinGen allele CA2580081007.